The following is an entry in ClinVar:

NM_138395.4(MARS2):c.746A>T (p.Glu249Val)

Gene: MARS2 (methionyl-tRNA synthetase 2, mitochondrial; plus strand). Cytogenetic location: 2q33.1.
Variant type: single nucleotide variant.
Coding change: c.746A>T on transcript NM_138395.4 (MANE Select); coding-DNA position 746, A replaced by T.
Protein change: p.Glu249Val; replaces glutamic acid 249 with valine.
Molecular consequence: missense variant.
Genome position (GRCh38, 1-based): chr2:197,706,151, A>T. VCF-style: chr2-197706151-A-T. GRCh37 (hg19) VCF-style: chr2-198570875-A-T.
Other names: short protein forms E249V.
Identifiers: ClinVar variation 2443547 (VCV002443547.1), dbSNP rs1574775695, ClinGen allele CA350213003.

ClinVar aggregate classification (germline): Uncertain significance (1 of 4 stars; one submission).

Submission:

GeneDx
Classification: Uncertain significance. Last evaluated: 2022-09-07. Review status: criteria provided, single submitter. Criteria: GeneDx Variant Classification Process June 2021. Collection method: clinical testing. Allele origin: germline. Affected: yes.
Comment: Not observed at significant frequency in large population cohorts (gnomAD); In silico analysis supports that this missense variant does not alter protein structure/function; Has not been previously published as pathogenic or benign to our knowledge